The following is an entry in ClinVar:

NM_198578.4(LRRK2):c.6050A>T (p.Asp2017Val)

Gene: LRRK2 (leucine rich repeat kinase 2; plus strand). Cytogenetic location: 12q12.
Variant type: single nucleotide variant.
Coding change: c.6050A>T on transcript NM_198578.4 (MANE Select); coding-DNA position 6050, A replaced by T.
Protein change: p.Asp2017Val; replaces aspartic acid 2017 with valine.
Molecular consequence: missense variant.
Genome position (GRCh38, 1-based): chr12:40,340,395, A>T. VCF-style: chr12-40340395-A-T. GRCh37 (hg19) VCF-style: chr12-40734197-A-T.
Other names: short protein forms D2017V.
Identifiers: ClinVar variation 3540750 (VCV003540750.1).
Genomic context (GRCh38, chr12:40,340,395, plus strand): 5'-CCCACAATGTGCTGCTTTTCACACTGTATCCCAATGCTGCCATCATTGCAAAGATTGCTG[A>T]CTACGGCATTGCTCAGTACTGCTGTAGAATGGGGATAAAAACATCAGAGGGCACACCAGG-3'
Protein context (NP_940980.4, residues 2007-2027): PNAAIIAKIA[Asp2017Val]YGIAQYCCRM

ClinVar aggregate classification (germline): Uncertain significance (1 of 4 stars; one submission).

Conditions:
Inborn genetic diseases. Identifiers: MedGen C0950123, MeSH D030342.

Submission:

Ambry Genetics
Classification: Uncertain significance for Inborn genetic diseases. Last evaluated: 2024-10-24. Review status: criteria provided, single submitter. Criteria: Ambry Variant Classification Scheme 2023. Collection method: clinical testing. Allele origin: germline.
Comment: The p.D2017V variant (also known as c.6050A>T), located in coding exon 41 of the LRRK2 gene, results from an A to T substitution at nucleotide position 6050. The aspartic acid at codon 2017 is replaced by valine, an amino acid with highly dissimilar properties. This amino acid position is conserved. In addition, this alteration is predicted to be deleterious by in silico analysis. Based on the available evidence, the clinical significance of this variant remains unclear.